The following is an entry in ClinVar:

NM_182920.2(ADAMTS9):c.806A>G (p.Tyr269Cys)

Gene: ADAMTS9 (ADAM metallopeptidase with thrombospondin type 1 motif 9; minus strand). Cytogenetic location: 3p14.1.
Variant type: single nucleotide variant.
Coding change: c.806A>G on transcript NM_182920.2 (MANE Select); coding-DNA position 806, A replaced by G.
Protein change: p.Tyr269Cys; replaces tyrosine 269 with cysteine.
Molecular consequence: missense variant.
Genome position (GRCh38, 1-based): chr3:64,658,665, T>C on the plus strand (A>G on the coding strand, the complement: ADAMTS9 is on the minus strand). VCF-style: chr3-64658665-T-C. GRCh37 (hg19) VCF-style: chr3-64644341-T-C.
Other names: c.806A>G, p.Tyr269Cys (NM_001318781.2); c.806A>G (NM_182920.1); short protein forms Y269C.
Identifiers: ClinVar variation 2167877 (VCV002167877.3), dbSNP rs201142956, ClinGen allele CA75777555.
Genomic context (GRCh38, chr3:64,658,665, plus strand): 5'-AAAAAACGTTTTGTCCTTCTGTGGGTCCTCTTTTCTCTTGTGTTGTCCGTCTTATTACCA[T>C]AAGCAGAAAATGCCTCTGTTGCTAAGCCGCTGTTTAATGCTGCTACGTCACCAGCCAGGT-3'
Protein context (NP_891550.1, residues 259-279): SGLATEAFSA[Tyr269Cys]GNKTDNTREK

ClinVar aggregate classification (germline): Uncertain significance. Review status: criteria provided, multiple submitters, no conflicts (2 of 4 stars). 2 submissions from 2 submitters: Uncertain significance (2). Last evaluated 2025-06-09.

Allele frequency attached by ClinVar (database versions not stated): gnomAD 0.00001; gnomAD exomes 0.00001; TOPMed 0.00001.
gnomAD v4.1: 21 of 1,614,004 alleles (0.0013%); highest among the groups gnomAD compares: Admixed American, 0.032%; no homozygotes.

Submissions (2):

Ambry Genetics
Classification: Uncertain significance. Last evaluated: 2025-06-09. Review status: criteria provided, single submitter. Criteria: Ambry Variant Classification Scheme 2023. Collection method: clinical testing. Allele origin: germline.

Labcorp Genetics (formerly Invitae), Labcorp
Classification: Uncertain significance. Last evaluated: 2022-08-09. Review status: criteria provided, single submitter. Criteria: Invitae Variant Classification Sherloc (09022015). Collection method: clinical testing. Allele origin: germline.
Comment: In summary, the available evidence is currently insufficient to determine the role of this variant in disease. Therefore, it has been classified as a Variant of Uncertain Significance. Algorithms developed to predict the effect of missense changes on protein structure and function (SIFT, PolyPhen-2, Align-GVGD) all suggest that this variant is likely to be tolerated. This variant has not been reported in the literature in individuals affected with ADAMTS9-related conditions. This variant is present in population databases (rs201142956, gnomAD 0.009%). This sequence change replaces tyrosine, which is neutral and polar, with cysteine, which is neutral and slightly polar, at codon 269 of the ADAMTS9 protein (p.Tyr269Cys).